The following is an entry in ClinVar:

NM_015559.3(SETBP1):c.1241C>T (p.Thr414Ile)

Gene: SETBP1 (SET binding protein 1; plus strand). Cytogenetic location: 18q12.3.
Variant type: single nucleotide variant.
Coding change: c.1241C>T on transcript NM_015559.3 (MANE Select); coding-DNA position 1241, C replaced by T.
Protein change: p.Thr414Ile; replaces threonine 414 with isoleucine.
Molecular consequence: missense variant.
Genome position (GRCh38, 1-based): chr18:44,950,581, C>T. VCF-style: chr18-44950581-C-T. GRCh37 (hg19) VCF-style: chr18-42530546-C-T.
Other names: c.1241C>T, p.Thr414Ile (NM_001379141.1, NM_001379142.1); short protein forms T414I.
Identifiers: ClinVar variation 1375052 (VCV001375052.9), dbSNP rs2145096578, ClinGen allele CA402318099.

ClinVar aggregate classification (germline): Uncertain significance. Review status: criteria provided, multiple submitters, no conflicts (2 of 4 stars). 2 submissions from 2 submitters: Uncertain significance (2). Last evaluated 2025-11-26.

gnomAD v4.1: 2 of 1,614,006 alleles (0.00012%); highest among the groups gnomAD compares: South Asian, 0.0011%; no homozygotes.

Submissions (2):

Women's Health and Genetics/Laboratory Corporation of America, LabCorp
Classification: Uncertain significance. Last evaluated: 2025-11-26. Review status: criteria provided, single submitter. Criteria: LabCorp Variant Classification Summary - May 2015. Collection method: clinical testing. Allele origin: germline.
Comment: Variant summary: SETBP1 c.1241C>T (p.Thr414Ile) results in a non-conservative amino acid change in the encoded protein sequence. Algorithms developed to predict the effect of missense changes on protein structure and function are either unavailable or do not agree on the potential impact of this missense change. The variant was absent in 250026 control chromosomes. The available data on variant occurrences in the general population are insufficient to allow any conclusion about variant significance. To our knowledge, no occurrence of c.1241C>T in individuals affected with SETBP1-related conditions and no experimental evidence demonstrating its impact on protein function have been reported. ClinVar contains an entry for this variant (Variation ID: 1375052). Based on the evidence outlined above, the variant was classified as uncertain significance.

Labcorp Genetics (formerly Invitae), Labcorp
Classification: Uncertain significance. Last evaluated: 2025-08-14. Review status: criteria provided, single submitter. Criteria: Invitae Variant Classification Sherloc (09022015). Collection method: clinical testing. Allele origin: germline.
Comment: This sequence change replaces threonine, which is neutral and polar, with isoleucine, which is neutral and non-polar, at codon 414 of the SETBP1 protein (p.Thr414Ile). This variant is not present in population databases (gnomAD no frequency). This variant has not been reported in the literature in individuals affected with SETBP1-related conditions. ClinVar contains an entry for this variant (Variation ID: 1375052). Invitae Evidence Modeling of protein sequence and biophysical properties (such as structural, functional, and spatial information, amino acid conservation, physicochemical variation, residue mobility, and thermodynamic stability) indicates that this missense variant is not expected to disrupt SETBP1 protein function with a negative predictive value of 80%. In summary, the available evidence is currently insufficient to determine the role of this variant in disease. Therefore, it has been classified as a Variant of Uncertain Significance.